The following is an entry in ClinVar:

NM_017534.6(MYH2):c.3821G>A (p.Arg1274Gln)

Genes: MYHAS (myosin heavy chain gene cluster antisense RNA; plus strand), MYH2 (myosin heavy chain 2; minus strand). Cytogenetic location: 17p13.1.
Variant type: single nucleotide variant.
Coding change: c.3821G>A on transcript NM_017534.6 (MANE Select); coding-DNA position 3821, G replaced by A.
Protein change: p.Arg1274Gln; replaces arginine 1274 with glutamine.
Molecular consequence: missense variant.
Genome position (GRCh38, 1-based): chr17:10,527,798, C>T on the plus strand (G>A on the coding strand, the complement: MYH2 is on the minus strand). VCF-style: chr17-10527798-C-T. GRCh37 (hg19) VCF-style: chr17-10431115-C-T.
Other names: c.3821G>A, p.Arg1274Gln (NM_001100112.2); short protein forms R1274Q.
Identifiers: ClinVar variation 534347 (VCV000534347.11), dbSNP rs756811670, ClinGen allele CA8390797.
Genomic context (GRCh38, chr17:10,527,798, plus strand): 5'-GGAGAGTTACCAGATTCAGTCTGCAGGCGCCCCCTCTGCGCAGTCAGGTCATTGATCAGC[C>T]GCTGCTGCTCCTCTTCCTTTGATTTCAGTTCACTCAGTTGGTCCTCTAGAGTCCGGCACA-3'
Protein context (NP_060004.3, residues 1264-1284): ELKSKEEEQQ[Arg1274Gln]LINDLTAQRG

ClinVar aggregate classification (germline): Uncertain significance. Review status: criteria provided, multiple submitters, no conflicts (2 of 4 stars). 3 submissions from 3 submitters: Uncertain significance (3). Last evaluated 2025-10-14.

Conditions:
Myopathy, proximal, and ophthalmoplegia (CMYO6). Also called: MYOPATHY WITH CONGENITAL JOINT CONTRACTURES, OPHTHALMOPLEGIA, AND RIMMED VACUOLES; INCLUSION BODY MYOPATHY 3, AUTOSOMAL DOMINANT; CONGENITAL MYOPATHY 6 WITH OPHTHALMOPLEGIA. Identifiers: Orphanet 363677, Orphanet 79091, MedGen C1854106, MONDO:0011577, OMIM 605637.

Allele frequency attached by ClinVar (database versions not stated): gnomAD exomes 0.00002 and 0.00005; ExAC 0.00006.
gnomAD v4.1: 29 of 1,614,080 alleles (0.0018%); highest among the groups gnomAD compares: Admixed American, 0.013%; no homozygotes.

Submissions (3):

Labcorp Genetics (formerly Invitae), Labcorp
Classification: Uncertain significance for Myopathy, proximal, and ophthalmoplegia. Last evaluated: 2025-10-14. Review status: criteria provided, single submitter. Criteria: Invitae Variant Classification Sherloc (09022015). Collection method: clinical testing. Allele origin: germline.
Comment: This sequence change replaces arginine, which is basic and polar, with glutamine, which is neutral and polar, at codon 1274 of the MYH2 protein (p.Arg1274Gln). This variant is present in population databases (rs756811670, gnomAD 0.02%). This variant has not been reported in the literature in individuals affected with MYH2-related conditions. ClinVar contains an entry for this variant (Variation ID: 534347). Invitae Evidence Modeling of protein sequence and biophysical properties (such as structural, functional, and spatial information, amino acid conservation, physicochemical variation, residue mobility, and thermodynamic stability) indicates that this missense variant is not expected to disrupt MYH2 protein function with a negative predictive value of 80%. In summary, the available evidence is currently insufficient to determine the role of this variant in disease. Therefore, it has been classified as a Variant of Uncertain Significance.

Revvity Omics, Revvity
Classification: Uncertain significance for Myopathy, proximal, and ophthalmoplegia. Last evaluated: 2019-12-13. Review status: criteria provided, single submitter. Criteria: ACMG Guidelines, 2015. Collection method: clinical testing. Allele origin: germline.

Genomic Research Center, Shahid Beheshti University of Medical Sciences
Classification: Uncertain significance for Inclusion body myopathy 3. Last evaluated: 2019-04-27. Review status: criteria provided, single submitter. Criteria: ACMG Guidelines, 2015. Collection method: clinical testing. Allele origin: unknown. Affected: yes.